The following is an entry in ClinVar:

NM_003737.4(DCHS1):c.2000C>G (p.Ser667Cys)

Gene: DCHS1 (dachsous cadherin-related 1; minus strand). Cytogenetic location: 11p15.4.
Variant type: single nucleotide variant.
Coding change: c.2000C>G on transcript NM_003737.4 (MANE Select); coding-DNA position 2000, C replaced by G.
Protein change: p.Ser667Cys; replaces serine 667 with cysteine.
Molecular consequence: missense variant.
Genome position (GRCh38, 1-based): chr11:6,634,007, G>C on the plus strand (C>G on the coding strand, the complement: DCHS1 is on the minus strand). VCF-style: chr11-6634007-G-C. GRCh37 (hg19) VCF-style: chr11-6655238-G-C.
Other names: short protein forms S667C.
Identifiers: ClinVar variation 1174879 (VCV001174879.35), dbSNP rs146086570, ClinGen allele CA5860829.

ClinVar aggregate classification (germline): Conflicting classifications of pathogenicity. Review status: criteria provided, conflicting classifications (1 of 4 stars). 5 submissions from 5 submitters: Uncertain significance (2); Likely benign (1). 2 of the submissions do not count toward it. Last evaluated 2026-09-01.

Allele frequency attached by ClinVar (database versions not stated): ExAC 0.00026; TOPMed 0.00016; gnomAD exomes 0.00022; ESP Exome Variant Server 0.00023.
gnomAD v4.1: 203 of 1,613,760 alleles (0.013%); highest among the groups gnomAD compares: Non-Finnish European, 0.016%; 1 homozygote.

Submissions (5):

CeGaT Center for Human Genetics Tuebingen
Classification: Likely benign. Last evaluated: 2026-09-01. Review status: criteria provided, single submitter. Criteria: CeGaT Center For Human Genetics Tuebingen Variant Classification Criteria Version 2. Collection method: clinical testing. Allele origin: germline. Affected: yes. Observed: 4 variant alleles.
Comment: DCHS1: BS2

Labcorp Genetics (formerly Invitae), Labcorp
Classification: Uncertain significance. Last evaluated: 2025-12-16. Review status: criteria provided, single submitter. Criteria: Invitae Variant Classification Sherloc (09022015). Collection method: clinical testing. Allele origin: germline.
Comment: This sequence change replaces serine, which is neutral and polar, with cysteine, which is neutral and slightly polar, at codon 667 of the DCHS1 protein (p.Ser667Cys). This variant is present in population databases (rs146086570, gnomAD 0.04%). This variant has not been reported in the literature in individuals affected with DCHS1-related conditions. ClinVar contains an entry for this variant (Variation ID: 1174879). Invitae Evidence Modeling of protein sequence and biophysical properties (such as structural, functional, and spatial information, amino acid conservation, physicochemical variation, residue mobility, and thermodynamic stability) indicates that this missense variant is expected to disrupt DCHS1 protein function with a positive predictive value of 80%. In summary, the available evidence is currently insufficient to determine the role of this variant in disease. Therefore, it has been classified as a Variant of Uncertain Significance.

Blueprint Genetics
Classification: Uncertain significance. Last evaluated: 2024-07-29. Review status: criteria provided, single submitter. Criteria: ACMG Guidelines, 2015. Collection method: clinical testing. Allele origin: germline.

Clinical Genetics DNA and cytogenetics Diagnostics Lab, Erasmus MC, Erasmus Medical Center
Classification: Uncertain significance. Review status: no assertion criteria provided. Collection method: clinical testing. Allele origin: germline. Affected: yes. Study: VKGL Data-share Consensus. Not counted in ClinVar's aggregate classification.

Diagnostic Laboratory, Department of Genetics, University Medical Center Groningen
Classification: Uncertain significance. Review status: no assertion criteria provided. Collection method: clinical testing. Allele origin: germline. Affected: yes. Study: VKGL Data-share Consensus. Not counted in ClinVar's aggregate classification.